The following is an entry in ClinVar:

NM_018975.4(TERF2IP):c.433C>G (p.Leu145Val)

Gene: TERF2IP (TERF2 interacting protein; plus strand). Cytogenetic location: 16q23.1.
Variant type: single nucleotide variant.
Coding change: c.433C>G on transcript NM_018975.4 (MANE Select); coding-DNA position 433, C replaced by G.
Protein change: p.Leu145Val; replaces leucine 145 with valine.
Molecular consequence: missense variant. On other transcripts: non-coding transcript variant (1).
Genome position (GRCh38, 1-based): chr16:75,648,315, C>G. VCF-style: chr16-75648315-C-G. GRCh37 (hg19) VCF-style: chr16-75682213-C-G.
Other names: short protein forms L145V.
Identifiers: ClinVar variation 3227179 (VCV003227179.1), dbSNP rs2507074211, ClinGen allele CA396817894.

ClinVar aggregate classification (germline): Uncertain significance (1 of 4 stars; one submission).

Submission:

Ambry Genetics
Classification: Uncertain significance. Last evaluated: 2023-12-30. Review status: criteria provided, single submitter. Criteria: Ambry Variant Classification Scheme 2023. Collection method: clinical testing. Allele origin: germline.
Comment: The p.L145V variant (also known as c.433C>G), located in coding exon 1 of the TERF2IP gene, results from a C to G substitution at nucleotide position 433. The leucine at codon 145 is replaced by valine, an amino acid with highly similar properties. This amino acid position is conserved. In addition, this alteration is predicted to be tolerated by in silico analysis. Since supporting evidence is limited at this time, the clinical significance of this alteration remains unclear.